The following is an entry in ClinVar:

NM_007294.4(BRCA1):c.5200T>A (p.Phe1734Ile)

Gene: BRCA1 (BRCA1 DNA repair associated; minus strand). Cytogenetic location: 17q21.31.
Variant type: single nucleotide variant.
Coding change: c.5200T>A on transcript NM_007294.4 (MANE Select); coding-DNA position 5200, T replaced by A.
Protein change: p.Phe1734Ile; replaces phenylalanine 1734 with isoleucine.
Molecular consequence: missense variant. On other transcripts: non-coding transcript variant (1).
Genome position (GRCh38, 1-based): chr17:43,057,129, A>T on the plus strand (T>A on the coding strand, the complement: BRCA1 is on the minus strand). VCF-style: chr17-43057129-A-T. GRCh37 (hg19) VCF-style: chr17-41209146-A-T.
Other names: NM_007294.4(BRCA1):c.5200T>A; p.Phe1734Ile; c.4987T>A, p.Phe1663Ile (NM_001407571.1, NM_001407906.1, NM_001407907.1 and 12 more transcripts); c.5266T>A, p.Phe1756Ile (NM_001407581.1, NM_001407582.1); c.5263T>A, p.Phe1755Ile (NM_001407583.1, NM_001407585.1, NM_001407587.1 and 1 more transcripts); c.5260T>A, p.Phe1754Ile (NM_001407590.1, NM_001407591.1); c.5200T>A, p.Phe1734Ile (NM_001407593.1, NM_001407684.1, NM_001407854.1 and 7 more transcripts); c.5197T>A, p.Phe1733Ile (NM_001407613.1, NM_001407614.1, NM_001407615.1 and 17 more transcripts); and 74 more; short protein forms F1734I, F1755I, F1687I, F630I, F1437I, F1438I, F1622I, F1664I.
Identifiers: ClinVar variation 232047 (VCV000232047.28), dbSNP rs80356957, ClinGen allele CA10580495.

ClinVar aggregate classification (germline): Likely pathogenic. Review status: reviewed by expert panel (3 of 4 stars). 7 submissions from 7 submitters: Likely pathogenic (1). 6 of the submissions do not count toward it. Last evaluated 2025-08-18.

Conditions:
Hereditary cancer-predisposing syndrome. Also called: Tumor predisposition; Hereditary Cancer Syndrome; Neoplastic Syndromes, Hereditary; Hereditary neoplastic syndrome. Identifiers: Orphanet 140162, MedGen C0027672, MeSH D009386, MONDO:0015356.
Breast-ovarian cancer, familial, susceptibility to, 1 (BROVCA1). Also called: BRCA1 Hereditary Breast and Ovarian Cancer; OVARIAN CANCER, SUSCEPTIBILITY TO. Identifiers: Orphanet 145, MedGen C2676676, MONDO:0011450, OMIM 604370. Disease mechanism: loss of function.
Hereditary breast ovarian cancer syndrome. Also called: Breast and ovarian cancer; Hereditary breast and ovarian cancer; Hereditary breast and ovarian cancer syndrome; Hereditary breast and/or ovarian cancer syndrome; BRCA1- and BRCA2-Associated Hereditary Breast and Ovarian Cancer; Hereditary breast and ovarian cancer syndrome (HBOC). Identifiers: Orphanet 145, MedGen C0677776, MeSH D061325, MONDO:0003582. Disease mechanism: loss of function.
Familial cancer of breast. Also called: BREAST CANCER, FAMILIAL; hereditary breast carcinoma; Hereditary breast cancer. Identifiers: Orphanet 227535, MedGen C0346153, MONDO:0016419, OMIM 114480. Disease mechanism: loss of function.
BRCA1-related cancer predisposition. Identifiers: MedGen CN377757, MONDO:0700268.

Submissions (8):

ClinGen ENIGMA BRCA1 and BRCA2 Variant Curation Expert Panel, ClinGen
Classification: Likely pathogenic for BRCA1-related cancer predisposition. Last evaluated: 2025-08-18. Review status: reviewed by expert panel. Criteria: CSpec BRCA1/2ACMG Rules Specifications V1.2. Collection method: curation. Allele origin: germline. Inheritance: Autosomal dominant inheritance.
Comment: The c.5200T>A variant in BRCA1 is a missense variant predicted to cause substitution of Phenylalanine by Isoleucine at amino acid 1734 (p.(Phe1734Ile)). This variant is absent from gnomAD v2.1 (exomes only, non-cancer subset, read depth ≥25) and gnomAD v3.1 (non-cancer subset, read depth ≥25) (PM2_Supporting met). Reported by two calibrated studies to exhibit protein function similar to pathogenic control variants (PMID:30209399, 35196514) (PS3 met). This BRCA1 missense variant is within a key functional domain and the computational predictor BayesDel (noAF) gives a score of 0.24, indicating impact on BRCA1 function via protein change is unclear (score range 0.15-0.28). A SpliceAI score of 0 predicts no impact on splicing (score threshold <0.10) (no bioinformatic code is applied). Multifactorial likelihood ratio analysis using clinically calibrated data produced a combined LR for this variant of 3.9 (based on Family History LR=3.9), within the thresholds for supporting evidence towards pathogenicity (LR >2.08 & ≤4.3) (PP4 met; PMID: 31853058). In summary, this variant meets the criteria to be classified as a Likely pathogenic variant for BRCA1-related cancer predisposition based on the ACMG/AMP criteria applied as specified by the ENIGMA BRCA1/2 VCEP (PM2_Supporting, PS3, PP4).

Quest Diagnostics Nichols Institute San Juan Capistrano
Classification: Likely pathogenic. Last evaluated: 2026-09-21. Review status: criteria provided, single submitter. Criteria: Quest Diagnostics criteria. Collection method: clinical testing. Allele origin: unknown. Not counted in ClinVar's aggregate classification.
Comment: The BRCA1 c.5200T>A (p.Phe1734Ile) variant has been reported in the published literature in an affected individual with ovarian cancer (PMID: 32776218 (2020)). Functional studies demonstrated that this variant had a damaging effect on protein function (PMIDs: 35196514 (2022), 30209399 (2018)). This variant has not been reported in large, multi-ethnic general populations (Genome Aggregation Database). Based on the available information, this variant is classified as likely pathogenic.

Department of Clinical Genetics, Copenhagen University Hospital, Rigshospitalet
Classification: Likely pathogenic for Familial cancer of breast. Last evaluated: 2025-08-29. Review status: criteria provided, single submitter. Criteria: ACMG Guidelines, 2015. Collection method: clinical testing. Allele origin: germline. Not counted in ClinVar's aggregate classification.
Comment: The following ACMG criteria has been used: PM2_SUP; PS3; PP4

Ambry Genetics
Classification: Pathogenic for Hereditary cancer-predisposing syndrome. Last evaluated: 2024-02-07. Review status: criteria provided, single submitter. Criteria: Ambry Variant Classification Scheme 2023. Collection method: clinical testing. Allele origin: germline. Not counted in ClinVar's aggregate classification.
Comment: The p.F1734I pathogenic mutation (also known as c.5200T>A), located in coding exon 18 of the BRCA1 gene, results from a T to A substitution at nucleotide position 5200. The phenylalanine at codon 1734 is replaced by isoleucine, an amino acid with highly similar properties. One functional study found that this nucleotide substitution is non-functional in a high-throughput, genome editing, haploid cell survival assay (Findlay GM et al. Nature, 2018 10;562:217-222). Based on internal structural analysis, F1734I decreases the structure stability (Wu Q et al. Mol Cell, 2016 Feb;61:434-448). Another alteration at the same codon, p.F1734L (c.5202T>G), has been also been found to be non-functional in a high-throughput, genome editing, haploid cell survival assay (Findlay GM et al. Nature, 2018 10;562:217-222) and based on internal structural analysis, F1734L decreases the structure stability (Wu Q et al. Mol Cell, 2016 Feb;61:434-448). This amino acid position is highly conserved in available vertebrate species. In addition, this alteration is predicted to be deleterious by in silico analysis. This variant is considered to be rare based on population cohorts in the Genome Aggregation Database (gnomAD). Based on the supporting evidence, this alteration is interpreted as a disease-causing mutation.

Color Diagnostics, LLC DBA Color Health
Classification: Likely pathogenic for Hereditary cancer-predisposing syndrome. Last evaluated: 2023-10-24. Review status: criteria provided, single submitter. Criteria: ACMG Guidelines, 2015. Collection method: clinical testing. Allele origin: germline. Not counted in ClinVar's aggregate classification.
Comment: This missense variant replaces phenylalanine with isoleucine at codon 1734 of the BRCA1 protein. Computational prediction suggests that this variant may have deleterious impact on protein structure and function (internally defined REVEL score threshold >= 0.7, PMID: 27666373). Functional studies have reported that this variant impacts BRCA1 function in a homology-directed DNA repair assay and in a haploid cell proliferation assay (PMID: 30209399, 35196514). This variant has been detected in one individual each affected with ovarian and breast cancer (PMID: 32776218; Color internal data). This variant has not been identified in the general population by the Genome Aggregation Database (gnomAD). Based on the available evidence, this variant is classified as Likely Pathogenic.

Myriad Genetics, Inc.
Classification: Likely pathogenic for Breast-ovarian cancer, familial, susceptibility to, 1. Last evaluated: 2023-06-02. Review status: criteria provided, single submitter. Criteria: Myriad Autosomal Dominant, Autosomal Recessive and X-Linked Classification Criteria (2023). Collection method: clinical testing. Allele origin: unknown. Not counted in ClinVar's aggregate classification.
Comment: This variant is considered likely pathogenic. Functional studies indicate this variant impacts protein function [PMID: 30209399, 35196514].

Brotman Baty Institute, University of Washington
No classification provided (evidence only). Condition: Breast-ovarian cancer, familial 1. Review status: no classification provided. Collection method: in vitro. Allele origin: not applicable. Functional consequence: functionally_abnormal. Not counted in ClinVar's aggregate classification.
ClinVar note: "not provided" was previously submitted as the classification for the variant. However, the classification appeared to be based only on an observation of functional data so it was converted to no classification on 2025-07-30.

Labcorp Genetics (formerly Invitae), Labcorp
Classification: Uncertain significance for Hereditary breast ovarian cancer syndrome. Last evaluated: 2024-04-16. Review status: flagged submission. Criteria: Invitae Variant Classification Sherloc (09022015). Collection method: clinical testing. Allele origin: germline. Not counted in ClinVar's aggregate classification.
Comment: This sequence change replaces phenylalanine, which is neutral and non-polar, with isoleucine, which is neutral and non-polar, at codon 1734 of the BRCA1 protein (p.Phe1734Ile). This variant is not present in population databases (gnomAD no frequency). This missense change has been observed in individual(s) with ovarian cancer (PMID: 32776218). ClinVar contains an entry for this variant (Variation ID: 232047). Advanced modeling performed at Invitae incorporating data from internal and/or published experimental studies (PMID: 30209399) indicates that this missense variant is expected to disrupt BRCA1 function with a positive predictive value of 95%. Experimental studies have shown that this missense change affects BRCA1 function (PMID: 30209399, 35196514). In summary, the available evidence is currently insufficient to determine the role of this variant in disease. Therefore, it has been classified as a Variant of Uncertain Significance.
ClinVar note: Reason: Conflicts with expert reviewed submission without evidence to support different classification

Literature cited by the submitters: PubMed 30209399 (cited by 6 submitters); PubMed 32776218 (cited by 3 submitters); PubMed 35196514 (cited by 5 submitters); PubMed 31853058 (cited by Department of Clinical Genetics, Copenhagen University Hospital, Rigshospitalet); PubMed 26778126 (cited by Ambry Genetics).